The following is an entry in ClinVar:

NM_174916.3(UBR1):c.2261G>A (p.Arg754His)

Gene: UBR1 (ubiquitin protein ligase E3 component n-recognin 1; minus strand). Cytogenetic location: 15q15.2.
Variant type: single nucleotide variant.
Coding change: c.2261G>A on transcript NM_174916.3 (MANE Select); coding-DNA position 2261, G replaced by A.
Protein change: p.Arg754His; replaces arginine 754 with histidine.
Molecular consequence: missense variant.
Genome position (GRCh38, 1-based): chr15:43,030,062, C>T on the plus strand (G>A on the coding strand, the complement: UBR1 is on the minus strand). VCF-style: chr15-43030062-C-T. GRCh37 (hg19) VCF-style: chr15-43322260-C-T.
Other names: short protein forms R754H.
Identifiers: ClinVar variation 1029284 (VCV001029284.7), dbSNP rs1567131023, ClinGen allele CA392070998.
Genomic context (GRCh38, chr15:43,030,062, plus strand): 5'-TGAATGATTTCTCTCATTGTGACCTCTTCTTTGGTCACATTTCCCACTCCAGGTACATAA[C>T]GCTCACCTAGTTCAAATAATTAAAAACAAAAAAAAAGTAGAATAATTATTTTCTATTTAA-3'
Protein context (NP_777576.1, residues 744-764): LQVLIYIVGE[Arg754His]YVPGVGNVTK

ClinVar aggregate classification (germline): Conflicting classifications of pathogenicity. Review status: criteria provided, conflicting classifications (1 of 4 stars). 3 submissions from 3 submitters: Likely pathogenic (1); Uncertain significance (2). Last evaluated 2025-07-22.

Conditions:
Johanson-Blizzard syndrome (JBS). Also called: Nasal alar hypoplasia, hypothyroidism, pancreatic achylia and congenital deafness. Identifiers: Orphanet 2315, MedGen C0175692, MONDO:0009479, OMIM 243800.

Allele frequency attached by ClinVar (database versions not stated): gnomAD exomes below 0.00001.
gnomAD v4.1: 4 of 1,613,578 alleles (0.00025%); highest among the groups gnomAD compares: Non-Finnish European, 0.00025%; no homozygotes.

Submissions (3):

Women's Health and Genetics/Laboratory Corporation of America, LabCorp
Classification: Likely pathogenic for Johanson-Blizzard syndrome. Last evaluated: 2025-07-22. Review status: criteria provided, single submitter. Criteria: LabCorp Variant Classification Summary - May 2015. Collection method: clinical testing. Allele origin: germline.
Comment: Variant summary: UBR1 c.2261G>A (p.Arg754His) results in a non-conservative amino acid change in the encoded protein sequence. Algorithms developed to predict the effect of missense changes on protein structure and function all suggest that this variant is likely to be disruptive. The variant was absent in 251278 control chromosomes. c.2261G>A has been observed in one individual affected with Johanson-Blizzard Syndrome (Sukalo_2014). These data indicate that the variant may be associated with disease. To our knowledge, no experimental evidence demonstrating an impact on protein function has been reported. Additionally, at least one variant at the Arg754 residue has been reported Likely Pathogenic in ClinVar (p.Arg754Cys), suggesting that this codon is functionally important. ClinVar contains an entry for this variant (Variation ID: 1029284). The following publication has been ascertained in the context of this evaluation (PMID: 24599544). Based on the evidence outlined above, the variant was classified as likely pathogenic.

Labcorp Genetics (formerly Invitae), Labcorp
Classification: Uncertain significance. Last evaluated: 2023-07-17. Review status: criteria provided, single submitter. Criteria: Invitae Variant Classification Sherloc (09022015). Collection method: clinical testing. Allele origin: germline.
Comment: This variant disrupts the p.Arg754 amino acid residue in UBR1. Other variant(s) that disrupt this residue have been observed in individuals with UBR1-related conditions (PMID: 24599544), which suggests that this may be a clinically significant amino acid residue. In summary, the available evidence is currently insufficient to determine the role of this variant in disease. Therefore, it has been classified as a Variant of Uncertain Significance. Advanced modeling of protein sequence and biophysical properties (such as structural, functional, and spatial information, amino acid conservation, physicochemical variation, residue mobility, and thermodynamic stability) performed at Invitae indicates that this missense variant is expected to disrupt UBR1 protein function. ClinVar contains an entry for this variant (Variation ID: 1029284). This missense change has been observed in individual(s) with clinical features of Johanson-Blizzard syndrome (PMID: 24599544). This variant is not present in population databases (gnomAD no frequency). This sequence change replaces arginine, which is basic and polar, with histidine, which is basic and polar, at codon 754 of the UBR1 protein (p.Arg754His).

Baylor Genetics
Classification: Uncertain significance for Johanson-Blizzard syndrome. Last evaluated: 2019-02-04. Review status: criteria provided, single submitter. Criteria: ACMG Guidelines, 2015. Collection method: clinical testing. Allele origin: unknown. Affected: yes.
Comment: This variant was determined to be of uncertain significance according to ACMG Guidelines, 2015 [PMID:25741868].

Literature cited by the submitters: PubMed 24599544 (cited by Women's Health and Genetics/Laboratory Corporation of America, LabCorp and Labcorp Genetics (formerly Invitae), Labcorp).